The following is an entry in ClinVar:

ClinVar aggregate classification (germline): Uncertain significance (1 of 4 stars; one submission).

gnomAD v4.1: 1 of 1,614,264 alleles (0.000062%); highest among the groups gnomAD compares: Non-Finnish European, 0.000085%; no homozygotes.

Submission:

Ambry Genetics
Classification: Uncertain significance. Last evaluated: 2023-12-23. Review status: criteria provided, single submitter. Criteria: Ambry Variant Classification Scheme 2023. Collection method: clinical testing. Allele origin: germline.
Comment: The p.Q354L variant (also known as c.1061A>T), located in coding exon 3 of the TERF2IP gene, results from an A to T substitution at nucleotide position 1061. The glutamine at codon 354 is replaced by leucine, an amino acid with dissimilar properties. This amino acid position is conserved. In addition, this alteration is predicted to be tolerated by in silico analysis. Since supporting evidence is limited at this time, the clinical significance of this alteration remains unclear.

NM_018975.4(TERF2IP):c.1061A>T (p.Gln354Leu)

Gene: TERF2IP (TERF2 interacting protein; plus strand). Cytogenetic location: 16q23.1.
Variant type: single nucleotide variant.
Coding change: c.1061A>T on transcript NM_018975.4 (MANE Select); coding-DNA position 1061, A replaced by T.
Protein change: p.Gln354Leu; replaces glutamine 354 with leucine.
Molecular consequence: missense variant. On other transcripts: non-coding transcript variant (1).
Genome position (GRCh38, 1-based): chr16:75,656,472, A>T. VCF-style: chr16-75656472-A-T. GRCh37 (hg19) VCF-style: chr16-75690370-A-T.
Other names: short protein forms Q354L.
Identifiers: ClinVar variation 3227153 (VCV003227153.1), dbSNP rs767208960, ClinGen allele CA8178156.
Genomic context (GRCh38, chr16:75,656,472, plus strand): 5'-AGGCCTTCCTAAAAAATAGTGGTGAGCTGGAGGCTACTTCCGCCTTCTTAGCGTCTGGTC[A>T]GAGAGCTGATGGATATCCCATTTGGTCCCGACAAGATGACATAGATTTGCAAAAAGATGA-3'
Protein context (NP_061848.2, residues 344-364): EATSAFLASG[Gln354Leu]RADGYPIWSR